The following is an entry in ClinVar:

NM_005141.5(FGB):c.749A>C (p.Glu250Ala)

Gene: FGB (fibrinogen beta chain; plus strand). Cytogenetic location: 4q31.3.
Variant type: single nucleotide variant.
Coding change: c.749A>C on transcript NM_005141.5 (MANE Select); coding-DNA position 749, A replaced by C.
Protein change: p.Glu250Ala; replaces glutamic acid 250 with alanine.
Molecular consequence: missense variant. On other transcripts: intron variant (1).
Genome position (GRCh38, 1-based): chr4:154,568,411, A>C. VCF-style: chr4-154568411-A-C. GRCh37 (hg19) VCF-style: chr4-155489563-A-C.
Other names: c.572A>C, p.Glu191Ala (NM_001184741.1); c.617A>C, p.Glu206Ala (NM_001382759.1); c.749A>C, p.Glu250Ala (NM_001382760.1, NM_001382761.1, NM_001382763.1 and 2 more transcripts); c.745+4A>C (NM_001382762.1); short protein forms E206A, E191A, E250A.
Identifiers: ClinVar variation 5007962 (VCV005007962.1).

ClinVar aggregate classification (germline): Uncertain significance (1 of 4 stars; one submission).

gnomAD v4.1: 2 of 1,604,568 alleles (0.00012%); highest among the groups gnomAD compares: African/African-American, 0.0013%; no homozygotes.

Submission:

GeneDx
Classification: Uncertain significance. Last evaluated: 2026-03-02. Review status: criteria provided, single submitter. Criteria: GeneDx Variant Classification Process June 2021. Collection method: clinical testing. Allele origin: germline.
Comment: Not observed at significant frequency in large population cohorts (gnomAD); In silico analysis suggests that this missense variant does not alter protein structure/function; Has not been previously published as pathogenic or benign to our knowledge